The following is an entry in ClinVar:

NM_144499.3(GNAT1):c.543C>G (p.Ile181Met)

Gene: GNAT1 (G protein subunit alpha transducin 1; plus strand). Cytogenetic location: 3p21.31.
Variant type: single nucleotide variant.
Coding change: c.543C>G on transcript NM_144499.3 (MANE Select); coding-DNA position 543, C replaced by G.
Protein change: p.Ile181Met; replaces isoleucine 181 with methionine.
Molecular consequence: missense variant.
Genome position (GRCh38, 1-based): chr3:50,193,846, C>G. VCF-style: chr3-50193846-C-G. GRCh37 (hg19) VCF-style: chr3-50231279-C-G.
Other names: c.543C>G, p.Ile181Met (NM_000172.4); short protein forms I181M.
Identifiers: ClinVar variation 1015748 (VCV001015748.6), dbSNP rs751005737, ClinGen allele CA2412629.

ClinVar aggregate classification (germline): Uncertain significance. Review status: criteria provided, multiple submitters, no conflicts (2 of 4 stars). 2 submissions from 2 submitters: Uncertain significance (2). Last evaluated 2025-04-28.

Allele frequency attached by ClinVar (database versions not stated): TOPMed 0.00006; gnomAD 0.00007; ExAC 0.00008; gnomAD exomes 0.00009.
gnomAD v4.1: 166 of 1,613,150 alleles (0.01%); highest among the groups gnomAD compares: Non-Finnish European, 0.013%; no homozygotes.

Submissions (2):

Labcorp Genetics (formerly Invitae), Labcorp
Classification: Uncertain significance. Last evaluated: 2025-04-28. Review status: criteria provided, single submitter. Criteria: Invitae Variant Classification Sherloc (09022015). Collection method: clinical testing. Allele origin: germline.
Comment: This sequence change replaces isoleucine, which is neutral and non-polar, with methionine, which is neutral and non-polar, at codon 181 of the GNAT1 protein (p.Ile181Met). This variant is present in population databases (rs751005737, gnomAD 0.01%). This variant has not been reported in the literature in individuals affected with GNAT1-related conditions. ClinVar contains an entry for this variant (Variation ID: 1015748). Invitae Evidence Modeling of protein sequence and biophysical properties (such as structural, functional, and spatial information, amino acid conservation, physicochemical variation, residue mobility, and thermodynamic stability) indicates that this missense variant is not expected to disrupt GNAT1 protein function with a negative predictive value of 80%. In summary, the available evidence is currently insufficient to determine the role of this variant in disease. Therefore, it has been classified as a Variant of Uncertain Significance.

Blueprint Genetics
Classification: Uncertain significance. Last evaluated: 2022-10-31. Review status: criteria provided, single submitter. Criteria: ACMG Guidelines, 2015. Collection method: clinical testing. Allele origin: germline.